The following is an entry in ClinVar:

NM_139279.6(MCFD2):c.*1788C>T

Genes: MCFD2 (multiple coagulation factor deficiency 2, ER cargo receptor complex subunit; minus strand), MCFD2-AS1 (MCFD2 antisense RNA 1; plus strand). Cytogenetic location: 2p21.
Variant type: single nucleotide variant.
Coding change: c.*1788C>T on transcript NM_139279.6 (MANE Select); 1788 bases downstream of the stop codon, C replaced by T.
Molecular consequence: 3 prime UTR variant.
Genome position (GRCh38, 1-based): chr2:46,903,675, G>A on the plus strand (C>T on the coding strand, the complement: MCFD2 is on the minus strand). VCF-style: chr2-46903675-G-A. GRCh37 (hg19) VCF-style: chr2-47130814-G-A.
Other names: c.*1788C>T (NM_001171506.2, NM_001171507.2, NM_001171508.2 and 3 more transcripts).
Identifiers: ClinVar variation 336350 (VCV000336350.6), dbSNP rs115043642, ClinGen allele CA10615671.

ClinVar aggregate classification (germline): Benign. Review status: criteria provided, multiple submitters, no conflicts (2 of 4 stars). 2 submissions from 2 submitters: Benign (2). Last evaluated 2018-01-12.

Conditions:
Factor 5 and Factor VIII, combined deficiency of, 2. Identifiers: Orphanet 35909, MedGen C3150889, MONDO:0013331, OMIM 613625.

Allele frequency attached by ClinVar (database versions not stated): TOPMed 0.02698; gnomAD 0.03049 and 0.03146; 1000 Genomes Project 30x 0.01249; 1000 Genomes Project 0.01298.

Submissions (2):

Illumina Laboratory Services, Illumina
Classification: Benign for Factor 5 and Factor VIII, combined deficiency of, 2. Last evaluated: 2018-01-12. Review status: criteria provided, single submitter. Criteria: ICSL Variant Classification Criteria 13 December 2019. Collection method: clinical testing. Allele origin: germline.
Comment: This variant was observed in the ICSL laboratory as part of a predisposition screen in an ostensibly healthy population. It had not been previously curated by ICSL or reported in the Human Gene Mutation Database (HGMD: prior to June 1st, 2018), and was therefore a candidate for classification through an automated scoring system. Utilizing variant allele frequency, disease prevalence and penetrance estimates, and inheritance mode, an automated score was calculated to assess if this variant is too frequent to cause the disease. Based on the score and internal cut-off values, a variant classified as benign is not then subjected to further curation. The score for this variant resulted in a classification of benign for this disease.

Breakthrough Genomics
Classification: Benign. Review status: criteria provided, single submitter. Criteria: ACMG Guidelines, 2015. Collection method: not provided. Allele origin: germline. Inheritance: Unknown mechanism. Affected: yes.